The following is an entry in ClinVar:

ClinVar aggregate classification (germline): Uncertain significance (1 of 4 stars; one submission).

gnomAD v4.1: 2 of 1,566,554 alleles (0.00013%); highest among the groups gnomAD compares: Non-Finnish European, 0.00017%; no homozygotes.

Submission:

GeneDx
Classification: Uncertain significance. Last evaluated: 2024-09-12. Review status: criteria provided, single submitter. Criteria: GeneDx Variant Classification Process June 2021. Collection method: clinical testing. Allele origin: germline. Affected: yes.
Comment: Not observed at significant frequency in large population cohorts (gnomAD); In silico analysis indicates that this missense variant does not alter protein structure/function; Has not been previously published as pathogenic or benign to our knowledge

NM_022841.7(RFX7):c.2834T>C (p.Ile945Thr)

Gene: RFX7 (regulatory factor X7; minus strand). Cytogenetic location: 15q21.3.
Variant type: single nucleotide variant.
Coding change: c.2834T>C on transcript NM_022841.7 (MANE Select); coding-DNA position 2834, T replaced by C.
Protein change: p.Ile945Thr; replaces isoleucine 945 with threonine.
Molecular consequence: missense variant.
Genome position (GRCh38, 1-based): chr15:56,094,894, A>G on the plus strand (T>C on the coding strand, the complement: RFX7 is on the minus strand). VCF-style: chr15-56094894-A-G. GRCh37 (hg19) VCF-style: chr15-56387092-A-G.
Other names: c.2543T>C, p.Ile848Thr (NM_001368073.2, NM_001368074.1, NM_001370554.1); c.2834T>C, p.Ile945Thr (NM_001370561.1); short protein forms I848T, I945T.
Identifiers: ClinVar variation 3769672 (VCV003769672.1).